The following is an entry in ClinVar:

ClinVar aggregate classification (germline): Uncertain significance (1 of 4 stars; one submission).

Conditions:
Dilated cardiomyopathy 1J (CMD1J). Also called: CARDIOMYOPATHY, DILATED, WITH SENSORINEURAL HEARING LOSS, AUTOSOMAL DOMINANT. Identifiers: Orphanet 217622, MedGen C1854368, MONDO:0011541, OMIM 605362.

Submission:

Labcorp Genetics (formerly Invitae), Labcorp
Classification: Uncertain significance for Dilated cardiomyopathy 1J. Last evaluated: 2023-03-06. Review status: criteria provided, single submitter. Criteria: Invitae Variant Classification Sherloc (09022015). Collection method: clinical testing. Allele origin: germline.
Comment: In summary, the available evidence is currently insufficient to determine the role of this variant in disease. Therefore, it has been classified as a Variant of Uncertain Significance. Algorithms developed to predict the effect of sequence changes on RNA splicing suggest that this variant may disrupt the consensus splice site. This variant has not been reported in the literature in individuals affected with EYA4-related conditions. This variant is not present in population databases (gnomAD no frequency). This sequence change affects codon 468 of the EYA4 mRNA. It is a 'silent' change, meaning that it does not change the encoded amino acid sequence of the EYA4 protein.

NM_004100.5(EYA4):c.1404A>C (p.Pro468=)

Genes: TARID (TCF21 antisense RNA inducing promoter demethylation; minus strand), EYA4 (EYA transcriptional coactivator and phosphatase 4; plus strand). Cytogenetic location: 6q23.2.
Variant type: single nucleotide variant.
Coding change: c.1404A>C on transcript NM_004100.5 (MANE Select); coding-DNA position 1404, A replaced by C.
Protein change: p.Pro468=; no amino-acid change (proline 468 retained).
Molecular consequence: synonymous variant.
Genome position (GRCh38, 1-based): chr6:133,512,941, A>C. VCF-style: chr6-133512941-A-C. GRCh37 (hg19) VCF-style: chr6-133834079-A-C.
Other names: c.1242A>C, p.Pro414= (NM_001301012.2); c.1422A>C, p.Pro474= (NM_001301013.2); c.1335A>C, p.Pro445= (NM_001370458.1, NM_172103.4); c.1260A>C, p.Pro420= (NM_001370459.1); c.1404A>C, p.Pro468= (NM_172105.4).
Identifiers: ClinVar variation 2842230 (VCV002842230.3), dbSNP rs1458242393, ClinGen allele CA452428811.
Genomic context (GRCh38, chr6:133,512,941, plus strand): 5'-CTACAGTTTTGCAACTGATGGCTTCCATGCAGCTGCAAGTAGTGCAAACCTTTGTTTGCC[A>C]ACAGGTGTAAGAGGAGGGGTTGACTGGATGAGGAAGTTGGCTTTTCGTTACAGAAGAGTA-3'
Protein context (NP_004091.3, residues 458-478): AAASSANLCL[Pro468=]TGVRGGVDWM